The following is an entry in ClinVar:

NM_000228.3(LAMB3):c.622del (p.Ile208fs)

Gene: LAMB3 (laminin subunit beta 3; minus strand). Cytogenetic location: 1q32.2.
Variant type: Deletion.
Coding change: c.622del on transcript NM_000228.3 (MANE Select); coding-DNA position 622, one base deleted (A; older notation c.622delA).
Protein change: p.Ile208fs; shifts the reading frame from isoleucine 208.
Molecular consequence: frameshift variant.
Genome position (GRCh38, 1-based): chr1:209,633,076, T deleted on the plus strand (A on the coding strand, the reverse complement: LAMB3 is on the minus strand); the first of 6 consecutive T bases (chr1:209,633,076-209,633,081); deleting any one gives the same sequence. VCF-style (leftmost placement, unchanged base first): chr1-209633075-AT-A. GRCh37 (hg19) VCF-style: chr1-209806420-AT-A.
Other names: c.622del, p.Ile208fs (NM_001017402.2, NM_001127641.1); c.622delA (NM_000228.3, NM_000228.2); short protein forms I208fs.
Identifiers: ClinVar variation 1332711 (VCV001332711.9), dbSNP rs768303931, ClinGen allele CA1375900.

ClinVar aggregate classification (germline): Pathogenic/Likely pathogenic. Review status: criteria provided, multiple submitters, no conflicts (2 of 4 stars). 4 submissions from 4 submitters: Pathogenic (1); Likely pathogenic (3). Last evaluated 2023-04-04.

Conditions:
Junctional epidermolysis bullosa gravis of Herlitz. Also called: JEB-HERLITZ TYPE; EPIDERMOLYSIS BULLOSA, JUNCTIONAL 1B, SEVERE; Herlitz-type junctional epidermolysis bullosa; Epidermolysis Bullosa Letalis; EPIDERMOLYSIS BULLOSA JUNCTIONALIS, HERLITZ TYPE; EPIDERMOLYSIS BULLOSA, JUNCTIONAL, HERLITZ-PEARSON TYPE. Identifiers: Orphanet 79404, MedGen C0079683, MONDO:0009182, OMIM 226700.
Junctional epidermolysis bullosa. Identifiers: Orphanet 305, MedGen C0079301, MONDO:0017612.

Submissions (4):

Women's Health and Genetics/Laboratory Corporation of America, LabCorp
Classification: Likely pathogenic for Junctional epidermolysis bullosa. Last evaluated: 2023-04-04. Review status: criteria provided, single submitter. Criteria: LabCorp Variant Classification Summary - May 2015. Collection method: clinical testing. Allele origin: germline.
Comment: Variant summary: LAMB3 c.622delA (p.Ile208PhefsX10) results in a premature termination codon, predicted to cause a truncation of the encoded protein or absence of the protein due to nonsense mediated decay, which are commonly known mechanisms for disease. Truncations downstream of this position have been classified as pathogenic by our laboratory. The variant allele was found at a frequency of 8e-06 in 251490 control chromosomes (gnomAD). c.622delA has been reported in the literature in at least one homozygous individual affected with Junctional Epidermolysis Bullosa (Nakano_2000). These data indicate that the variant may be associated with disease. To our knowledge, no experimental evidence demonstrating an impact on protein function has been reported. One ClinVar submitter has assessed the variant since 2014: the variant was classified as likely pathogenic. Based on the evidence outlined above, the variant was classified as likely pathogenic.

Labcorp Genetics (formerly Invitae), Labcorp
Classification: Pathogenic. Last evaluated: 2022-12-31. Review status: criteria provided, single submitter. Criteria: Invitae Variant Classification Sherloc (09022015). Collection method: clinical testing. Allele origin: germline.
Comment: For these reasons, this variant has been classified as Pathogenic. ClinVar contains an entry for this variant (Variation ID: 1332711). This variant is also known as 617delA. This premature translational stop signal has been observed in individual(s) with autosomal recessive junctional epidermolysis bullosa (PMID: 11023379). This variant is present in population databases (rs768303931, gnomAD 0.006%). This sequence change creates a premature translational stop signal (p.Ile208Phefs*10) in the LAMB3 gene. It is expected to result in an absent or disrupted protein product. Loss-of-function variants in LAMB3 are known to be pathogenic (PMID: 11023379, 16473856).

Revvity Omics, Revvity
Classification: Likely pathogenic. Last evaluated: 2022-05-05. Review status: criteria provided, single submitter. Criteria: ACMG Guidelines, 2015. Collection method: clinical testing. Allele origin: germline.

Kasturba Medical College, Manipal, Kasturba Medical College, Manipal, Manipal Academy of Higher Education, Manipal, India
Classification: Likely pathogenic for Junctional epidermolysis bullosa gravis of Herlitz. Review status: criteria provided, single submitter. Criteria: ACMG Guidelines, 2015. Collection method: clinical testing. Allele origin: inherited. Affected: yes.

Literature cited by the submitters: PubMed 11023379 (cited by Women's Health and Genetics/Laboratory Corporation of America, LabCorp and Labcorp Genetics (formerly Invitae), Labcorp); PubMed 16473856 (cited by Labcorp Genetics (formerly Invitae), Labcorp).